The following is an entry in ClinVar:

NM_198576.4(AGRN):c.5352C>T (p.Phe1784=)

Gene: AGRN (agrin; plus strand). Cytogenetic location: 1p36.33.
Variant type: single nucleotide variant.
Coding change: c.5352C>T on transcript NM_198576.4 (MANE Select); coding-DNA position 5352, C replaced by T.
Protein change: p.Phe1784=; no amino-acid change (phenylalanine 1784 retained).
Molecular consequence: synonymous variant.
Genome position (GRCh38, 1-based): chr1:1,051,351, C>T. VCF-style: chr1-1051351-C-T. GRCh37 (hg19) VCF-style: chr1-986731-C-T.
Other names: p.Phe1784=; c.5364C>T, p.Phe1788= (NM_001305275.2); c.5049C>T, p.Phe1683= (NM_001364727.2).
Identifiers: ClinVar variation 263197 (VCV000263197.18), dbSNP rs112073270, ClinGen allele CA509991.

ClinVar aggregate classification (germline): Benign/Likely benign. Review status: criteria provided, multiple submitters, no conflicts (2 of 4 stars). 6 submissions from 6 submitters: Benign (2); Likely benign (4). Last evaluated 2026-02-02.

Conditions:
Congenital myasthenic syndrome 8. Also called: Myasthenic syndrome, congenital, 8, with pre- and postsynaptic defects; MYASTHENIC SYNDROME, CONGENITAL, DUE TO AGRIN DEFICIENCY. Identifiers: Orphanet 590, MedGen C3808739, MONDO:0014052, OMIM 615120.

Allele frequency attached by ClinVar (database versions not stated): gnomAD exomes 0.00048 and 0.00106; ExAC 0.00281; 1000 Genomes Project 0.00319; 1000 Genomes Project 30x 0.00422; ESP Exome Variant Server 0.00450; gnomAD 0.00494 and 0.00537; TOPMed 0.00529.
gnomAD v4.1: 1,453 of 1,566,626 alleles (0.093%); highest among the groups gnomAD compares: African/African-American, 1.6%; 11 homozygotes.

Submissions (6):

Labcorp Genetics (formerly Invitae), Labcorp
Classification: Benign for Congenital myasthenic syndrome 8. Last evaluated: 2026-02-02. Review status: criteria provided, single submitter. Criteria: Invitae Variant Classification Sherloc (09022015). Collection method: clinical testing. Allele origin: germline.

Mayo Clinic Laboratories, Mayo Clinic
Classification: Likely benign. Last evaluated: 2024-12-30. Review status: criteria provided, single submitter. Criteria: ACMG Guidelines, 2015. Collection method: clinical testing. Allele origin: germline. Observed: 1 variant allele.
Comment: BS1, BP4, BP7

Blueprint Genetics
Classification: Likely benign. Last evaluated: 2024-08-20. Review status: criteria provided, single submitter. Criteria: ACMG Guidelines, 2015. Collection method: clinical testing. Allele origin: germline.

GeneDx
Classification: Likely benign. Last evaluated: 2021-05-05. Review status: criteria provided, single submitter. Criteria: GeneDx Variant Classification Process June 2021. Collection method: clinical testing. Allele origin: germline. Affected: yes.

Breakthrough Genomics
Classification: Likely benign. Review status: criteria provided, single submitter. Criteria: ACMG Guidelines, 2015. Collection method: not provided. Allele origin: germline. Inheritance: Autosomal recessive inheritance. Affected: yes.

PreventionGenetics, part of Exact Sciences
Classification: Benign. Review status: criteria provided, single submitter. Criteria: ACMG Guidelines, 2015. Collection method: clinical testing. Allele origin: germline.